The following is an entry in ClinVar:

NM_181712.5(KANK4):c.2011G>A (p.Gly671Arg)

Gene: KANK4 (KN motif and ankyrin repeat domains 4; minus strand). Cytogenetic location: 1p31.3.
Variant type: single nucleotide variant.
Coding change: c.2011G>A on transcript NM_181712.5 (MANE Select); coding-DNA position 2011, G replaced by A.
Protein change: p.Gly671Arg; replaces glycine 671 with arginine.
Molecular consequence: missense variant.
Genome position (GRCh38, 1-based): chr1:62,271,479, C>T on the plus strand (G>A on the coding strand, the complement: KANK4 is on the minus strand). VCF-style: chr1-62271479-C-T. GRCh37 (hg19) VCF-style: chr1-62737151-C-T.
Other names: c.127G>A, p.Gly43Arg (NM_001320269.2); c.2011G>A (NM_181712.4); short protein forms G671R, G43R.
Identifiers: ClinVar variation 2065582 (VCV002065582.6), dbSNP rs115329333, ClinGen allele CA884246.

ClinVar aggregate classification (germline): Likely benign. Review status: criteria provided, single submitter (1 of 4 stars). 2 submissions from 2 submitters: Likely benign (1). 1 of the submissions does not count toward it. Last evaluated 2025-08-04.

Conditions:
KANK4-related disorder. Also called: KANK4-related condition.

Allele frequency attached by ClinVar (database versions not stated): gnomAD exomes 0.00015; ExAC 0.00035; ESP Exome Variant Server 0.00115; gnomAD 0.00120; 1000 Genomes Project 0.00140; 1000 Genomes Project 30x 0.00172.
gnomAD v4.1: 394 of 1,604,362 alleles (0.025%); highest among the groups gnomAD compares: African/African-American, 0.41%; no homozygotes.

Submissions (2):

Labcorp Genetics (formerly Invitae), Labcorp
Classification: Likely benign. Last evaluated: 2025-08-04. Review status: criteria provided, single submitter. Criteria: Invitae Variant Classification Sherloc (09022015). Collection method: clinical testing. Allele origin: germline.

PreventionGenetics, part of Exact Sciences
Classification: Likely benign for KANK4-related condition. Last evaluated: 2022-04-28. Review status: no assertion criteria provided. Collection method: clinical testing. Allele origin: germline. Not counted in ClinVar's aggregate classification.
Comment: This variant is classified as likely benign based on ACMG/AMP sequence variant interpretation guidelines (Richards et al. 2015 PMID: 25741868, with internal and published modifications).